The following is an entry in ClinVar:

ClinVar aggregate classification (germline): Uncertain significance (0 of 4 stars; one submission).

Conditions:
HSD17B4-related disorder. Also called: HSD17B4-related condition; HSD17B4-related disorders.

Submission:

PreventionGenetics, part of Exact Sciences
Classification: Uncertain significance for HSD17B4-related condition. Last evaluated: 2023-10-20. Review status: no assertion criteria provided. Collection method: clinical testing. Allele origin: germline.
Comment: The HSD17B4 c.130A>C variant is predicted to result in the amino acid substitution p.Asn44His. This variant corresponds to a deep intronic position in the primary transcript for this gene (NM_000414.3:c.113-2265A>C). To our knowledge, this variant has not been reported in the literature or in a large population database, indicating this variant is rare. At this time, the clinical significance of this variant is uncertain due to the absence of conclusive functional and genetic evidence.

NM_000414.4(HSD17B4):c.113-2265A>C

Gene: HSD17B4 (hydroxysteroid 17-beta dehydrogenase 4; plus strand). Cytogenetic location: 5q23.1.
Variant type: single nucleotide variant.
Coding change: c.113-2265A>C on transcript NM_000414.4 (MANE Select); 2265 bases into the intron before coding-DNA position 113, A replaced by C.
Molecular consequence: intron variant. On other transcripts: missense variant (1), 5 prime UTR variant (3).
Genome position (GRCh38, 1-based): chr5:119,471,643, A>C. VCF-style: chr5-119471643-A-C. GRCh37 (hg19) VCF-style: chr5-118807338-A-C.
Other names: c.130A>C, p.Asn44His (NM_001199291.3); c.-18A>C (NM_001292027.2); c.-226A>C (NM_001374499.1); c.-362A>C (NM_001374503.1); c.-304-2265A>C (NM_001374502.1); c.-426-2265A>C (NM_001374500.1); c.-299-2265A>C (NM_001374501.1, NM_001292028.2); c.113-2265A>C (NM_001374498.1, NM_001374497.1); and 1 more; short protein forms N44H.
Identifiers: ClinVar variation 3029344 (VCV003029344.2), dbSNP rs2531585580, ClinGen allele CA360863661.